The following is an entry in ClinVar:

ClinVar aggregate classification (germline): Likely pathogenic (1 of 4 stars; one submission).

Conditions:
Early-infantile DEE. Also called: Ohtahara syndrome; Early infantile epileptic encephalopathy with suppression bursts; Early infantile epileptic encephalopathy. Identifiers: Orphanet 1934, MedGen C0393706, MONDO:0800491.

Allele frequency attached by ClinVar (database versions not stated): gnomAD exomes below 0.00001.
gnomAD v4.1: 1 of 1,613,274 alleles (0.000062%); highest among the groups gnomAD compares: Non-Finnish European, 0.000085%; no homozygotes.

Submission:

Labcorp Genetics (formerly Invitae), Labcorp
Classification: Likely pathogenic for Early-infantile DEE. Last evaluated: 2022-07-14. Review status: criteria provided, single submitter. Criteria: Invitae Variant Classification Sherloc (09022015). Collection method: clinical testing. Allele origin: germline.
Comment: This missense change has been observed in individual(s) with clinical features of KCNQ2-related conditions (Invitae). In summary, the currently available evidence indicates that the variant is pathogenic, but additional data are needed to prove that conclusively. Therefore, this variant has been classified as Likely Pathogenic. This variant disrupts the p.Ala235 amino acid residue in KCNQ2. Other variant(s) that disrupt this residue have been observed in individuals with KCNQ2-related conditions (PMID: 31418850; Invitae), which suggests that this may be a clinically significant amino acid residue. Advanced modeling of protein sequence and biophysical properties (such as structural, functional, and spatial information, amino acid conservation, physicochemical variation, residue mobility, and thermodynamic stability) performed at Invitae indicates that this missense variant is expected to disrupt KCNQ2 protein function. This variant is not present in population databases (gnomAD no frequency). This sequence change replaces alanine, which is neutral and non-polar, with glycine, which is neutral and non-polar, at codon 235 of the KCNQ2 protein (p.Ala235Gly).

Literature cited by the submitters: PubMed 31418850.

NM_172107.4(KCNQ2):c.704C>G (p.Ala235Gly)

Gene: KCNQ2 (potassium voltage-gated channel subfamily Q member 2; minus strand). Cytogenetic location: 20q13.33.
Variant type: single nucleotide variant.
Coding change: c.704C>G on transcript NM_172107.4 (MANE Select); coding-DNA position 704, C replaced by G.
Protein change: p.Ala235Gly; replaces alanine 235 with glycine.
Molecular consequence: missense variant.
Genome position (GRCh38, 1-based): chr20:63,442,518, G>C on the plus strand (C>G on the coding strand, the complement: KCNQ2 is on the minus strand). VCF-style: chr20-63442518-G-C. GRCh37 (hg19) VCF-style: chr20-62073871-G-C.
Other names: c.704C>G, p.Ala235Gly (NM_001382235.1, NM_004518.6, NM_172106.3 and 2 more transcripts); short protein forms A235G.
Identifiers: ClinVar variation 1959325 (VCV001959325.5), dbSNP rs797045638, ClinGen allele CA409654063.